The following is an entry in ClinVar:

ClinVar aggregate classification (germline): Benign/Likely benign. Review status: criteria provided, multiple submitters, no conflicts (2 of 4 stars). 3 submissions from 3 submitters: Benign (1); Likely benign (2). Last evaluated 2024-11-19.

Conditions:
Prostate cancer, hereditary, 9 (HPC9). Identifiers: Orphanet 1331, MedGen C1970250, MONDO:0012597, OMIM 610997.
Hereditary cancer-predisposing syndrome. Also called: Hereditary Cancer Syndrome; Tumor predisposition; Neoplastic Syndromes, Hereditary; Hereditary neoplastic syndrome. Identifiers: Orphanet 140162, MedGen C0027672, MeSH D009386, MONDO:0015356.

Submissions (3):

Labcorp Genetics (formerly Invitae), Labcorp
Classification: Likely benign. Last evaluated: 2024-11-19. Review status: criteria provided, single submitter. Criteria: Invitae Variant Classification Sherloc (09022015). Collection method: clinical testing. Allele origin: germline.

Myriad Genetics, Inc.
Classification: Benign for Prostate cancer, hereditary, 9. Last evaluated: 2024-10-31. Review status: criteria provided, single submitter. Criteria: Myriad Autosomal Dominant, Autosomal Recessive and X-Linked Classification Criteria (2023). Collection method: clinical testing. Allele origin: unknown.
Comment: This variant is considered benign. This variant is a silent/synonymous amino acid change and it is not expected to impact splicing.

Ambry Genetics
Classification: Likely benign for Hereditary cancer-predisposing syndrome. Last evaluated: 2024-06-29. Review status: criteria provided, single submitter. Criteria: Ambry Variant Classification Scheme 2023. Collection method: clinical testing. Allele origin: germline.

NM_006361.6(HOXB13):c.765C>G (p.Leu255=)

Gene: HOXB13 (homeobox B13; minus strand). Cytogenetic location: 17q21.32.
Variant type: single nucleotide variant.
Coding change: c.765C>G on transcript NM_006361.6 (MANE Select); coding-DNA position 765, C replaced by G.
Protein change: p.Leu255=; no amino-acid change (leucine 255 retained).
Molecular consequence: synonymous variant.
Genome position (GRCh38, 1-based): chr17:48,726,880, G>C on the plus strand (C>G on the coding strand, the complement: HOXB13 is on the minus strand). VCF-style: chr17-48726880-G-C. GRCh37 (hg19) VCF-style: chr17-46804242-G-C.
Identifiers: ClinVar variation 2026428 (VCV002026428.6), dbSNP rs1597932610, ClinGen allele CA500500664.
Genomic context (GRCh38, chr17:48,726,880, plus strand): 5'-GAGAACCTTCTTCTCTTTGACCCGGCGGTTCTGAAACCAGATGGTAATCTGGCGCTCCGA[G>C]AGGCTGGTGGCTGCCGAGATCTTGCGCCTCTTGTCCTTGGTGATGAACTTGTTAGCCGCA-3'
Protein context (NP_006352.2, residues 245-265): KRRKISAATS[Leu255=]SERQITIWFQ